The following is an entry in ClinVar:

ClinVar aggregate classification (germline): Uncertain significance (1 of 4 stars; one submission).

Submission:

GeneDx
Classification: Uncertain significance. Last evaluated: 2025-03-11. Review status: criteria provided, single submitter. Criteria: GeneDx Variant Classification Process June 2021. Collection method: clinical testing. Allele origin: germline. Affected: yes.
Comment: Not observed at significant frequency in large population cohorts (gnomAD); In silico analysis supports that this missense variant has a deleterious effect on protein structure/function; Has not been previously published as pathogenic or benign to our knowledge

NM_000334.4(SCN4A):c.4391G>A (p.Gly1464Glu)

Genes: GH-LCR (growth hormone locus control region; plus strand), SCN4A (sodium voltage-gated channel alpha subunit 4; minus strand). Cytogenetic location: 17q23.3.
Variant type: single nucleotide variant.
Coding change: c.4391G>A on transcript NM_000334.4 (MANE Select); coding-DNA position 4391, G replaced by A.
Protein change: p.Gly1464Glu; replaces glycine 1464 with glutamic acid.
Molecular consequence: missense variant.
Genome position (GRCh38, 1-based): chr17:63,941,891, C>T on the plus strand (G>A on the coding strand, the complement: SCN4A is on the minus strand). VCF-style: chr17-63941891-C-T. GRCh37 (hg19) VCF-style: chr17-62019251-C-T.
Other names: short protein forms G1464E.
Identifiers: ClinVar variation 4083217 (VCV004083217.1).